The following is an entry in ClinVar:

NM_058004.4(PI4KA):c.3066C>T (p.Ser1022=)

Gene: PI4KA (phosphatidylinositol 4-kinase alpha; minus strand). Cytogenetic location: 22q11.21.
Variant type: single nucleotide variant.
Coding change: c.3066C>T on transcript NM_058004.4 (MANE Select); coding-DNA position 3066, C replaced by T.
Protein change: p.Ser1022=; no amino-acid change (serine 1022 retained).
Molecular consequence: synonymous variant.
Genome position (GRCh38, 1-based): chr22:20,751,677, G>A on the plus strand (C>T on the coding strand, the complement: PI4KA is on the minus strand). VCF-style: chr22-20751677-G-A. GRCh37 (hg19) VCF-style: chr22-21105965-G-A.
Other names: c.3066C>T, p.Ser1022= (NM_001362862.2); c.3000C>T, p.Ser1000= (NM_001362863.2).
Identifiers: ClinVar variation 4681677 (VCV004681677.5).

ClinVar aggregate classification (germline): Likely benign (1 of 4 stars; one submission).

gnomAD v4.1: 82 of 1,612,768 alleles (0.0051%); highest among the groups gnomAD compares: East Asian, 0.038%; no homozygotes.

Submission:

CeGaT Center for Human Genetics Tuebingen
Classification: Likely benign. Last evaluated: 2025-12-01. Review status: criteria provided, single submitter. Criteria: CeGaT Center For Human Genetics Tuebingen Variant Classification Criteria Version 2. Collection method: clinical testing. Allele origin: germline. Affected: yes. Observed: 1 variant allele.
Comment: PI4KA: BP4, BP7